The following is an entry in ClinVar:

NM_002637.4(PHKA1):c.2860A>C (p.Met954Leu)

Gene: PHKA1 (phosphorylase kinase regulatory subunit alpha 1; minus strand). Cytogenetic location: Xq13.1.
Variant type: single nucleotide variant.
Coding change: c.2860A>C on transcript NM_002637.4 (MANE Select); coding-DNA position 2860, A replaced by C.
Protein change: p.Met954Leu; replaces methionine 954 with leucine.
Molecular consequence: missense variant.
Genome position (GRCh38, 1-based): chrX:72,603,176, T>G on the plus strand (A>C on the coding strand, the complement: PHKA1 is on the minus strand). VCF-style: chrX-72603176-T-G. GRCh37 (hg19) VCF-style: chrX-71823026-T-G.
Other names: c.2860A>C, p.Met954Leu (NM_001122670.2, NM_001431068.1, NM_001440787.1); c.2683A>C, p.Met895Leu (NM_001172436.2, NM_001440788.1); short protein forms M895L, M954L.
Identifiers: ClinVar variation 4804416 (VCV004804416.1).
Genomic context (GRCh38, chrX:72,603,176, plus strand): 5'-CACCGCTTCGTTCCACTCCAAACTCCTTGCCGCTGAGAATGTGATGCAGGAGATTCTTCA[T>G]GGCCGAAGGACTGAGATTCATCAGGCCCTCTGTGGCTTCCTCAGCTAGTCAGCAGAAATG-3'
Protein context (NP_002628.2, residues 944-964): EGLMNLSPSA[Met954Leu]KNLLHHILSG

ClinVar aggregate classification (germline): Uncertain significance (1 of 4 stars; one submission).

Conditions:
Glycogen storage disease IXd (GSD9D). Also called: Muscle Phosphorylase Kinase Deficiency; GSD IXd. Identifiers: Orphanet 715, MedGen C1845151, MONDO:0010362, OMIM 300559.

gnomAD v4.1: 2 of 1,208,786 alleles (0.00017%); highest among the groups gnomAD compares: Non-Finnish European, 0.00022%; no homozygotes.

Submission:

Labcorp Genetics (formerly Invitae), Labcorp
Classification: Uncertain significance for Glycogen storage disease IXd. Last evaluated: 2025-09-23. Review status: criteria provided, single submitter. Criteria: Invitae Variant Classification Sherloc (09022015). Collection method: clinical testing. Allele origin: germline.
Comment: This sequence change replaces methionine, which is neutral and non-polar, with leucine, which is neutral and non-polar, at codon 954 of the PHKA1 protein (p.Met954Leu). This variant is present in population databases (no rsID available, gnomAD 0.001%). This variant has not been reported in the literature in individuals affected with PHKA1-related conditions. Invitae Evidence Modeling of protein sequence and biophysical properties (such as structural, functional, and spatial information, amino acid conservation, physicochemical variation, residue mobility, and thermodynamic stability) indicates that this missense variant is not expected to disrupt PHKA1 protein function with a negative predictive value of 80%. In summary, the available evidence is currently insufficient to determine the role of this variant in disease. Therefore, it has been classified as a Variant of Uncertain Significance.